The following is an entry in ClinVar:

NM_001710.6(CFB):c.1850A>C (p.Gln617Pro)

Gene: CFB (complement factor B; plus strand). Cytogenetic location: 6p21.33.
Variant type: single nucleotide variant.
Coding change: c.1850A>C on transcript NM_001710.6 (MANE Select); coding-DNA position 1850, A replaced by C.
Protein change: p.Gln617Pro; replaces glutamine 617 with proline.
Molecular consequence: missense variant.
Genome position (GRCh38, 1-based): chr6:31,950,939, A>C. VCF-style: chr6-31950939-A-C. GRCh37 (hg19) VCF-style: chr6-31918716-A-C.
Other names: short protein forms Q617P.
Identifiers: ClinVar variation 3609591 (VCV003609591.3).

ClinVar aggregate classification (germline): Uncertain significance. Review status: criteria provided, multiple submitters, no conflicts (2 of 4 stars). 2 submissions from 2 submitters: Uncertain significance (2). Last evaluated 2025-11-06.

Conditions:
Inborn genetic diseases. Identifiers: MedGen C0950123, MeSH D030342.

Submissions (2):

Ambry Genetics
Classification: Uncertain significance for Inborn genetic diseases. Last evaluated: 2025-11-06. Review status: criteria provided, single submitter. Criteria: Ambry Variant Classification Scheme 2023. Collection method: clinical testing. Allele origin: germline.

Labcorp Genetics (formerly Invitae), Labcorp
Classification: Uncertain significance. Last evaluated: 2024-04-29. Review status: criteria provided, single submitter. Criteria: Invitae Variant Classification Sherloc (09022015). Collection method: clinical testing. Allele origin: germline.
Comment: This sequence change replaces glutamine, which is neutral and polar, with proline, which is neutral and non-polar, at codon 617 of the CFB protein (p.Gln617Pro). This variant is present in population databases (rs762155843, gnomAD no frequency). This variant has not been reported in the literature in individuals affected with CFB-related conditions. Advanced modeling of protein sequence and biophysical properties (such as structural, functional, and spatial information, amino acid conservation, physicochemical variation, residue mobility, and thermodynamic stability) performed at Invitae indicates that this missense variant is not expected to disrupt CFB protein function with a negative predictive value of 80%. In summary, the available evidence is currently insufficient to determine the role of this variant in disease. Therefore, it has been classified as a Variant of Uncertain Significance.